The following is an entry in ClinVar:

NM_022114.4(PRDM16):c.3436G>A (p.Ala1146Thr)

Gene: PRDM16 (PR/SET domain 16; plus strand). Cytogenetic location: 1p36.32.
Variant type: single nucleotide variant.
Coding change: c.3436G>A on transcript NM_022114.4 (MANE Select); coding-DNA position 3436, G replaced by A.
Protein change: p.Ala1146Thr; replaces alanine 1146 with threonine.
Molecular consequence: missense variant.
Genome position (GRCh38, 1-based): chr1:3,431,023, G>A. VCF-style: chr1-3431023-G-A. GRCh37 (hg19) VCF-style: chr1-3347587-G-A.
Other names: c.3436G>A, p.Ala1146Thr (NM_199454.3); short protein forms A1146T.
Identifiers: ClinVar variation 852877 (VCV000852877.8), dbSNP rs377255144, ClinGen allele CA544869.

ClinVar aggregate classification (germline): Uncertain significance. Review status: criteria provided, multiple submitters, no conflicts (2 of 4 stars). 2 submissions from 2 submitters: Uncertain significance (2). Last evaluated 2025-06-18.

Conditions:
Left ventricular noncompaction 8 (LVNC8). Identifiers: Orphanet 154, Orphanet 54260, MedGen C3809288, MONDO:0014152, OMIM 615373.

Allele frequency attached by ClinVar (database versions not stated): gnomAD exomes 0.00001; ExAC 0.00003; gnomAD 0.00004 and 0.00005; TOPMed 0.00005; ESP Exome Variant Server 0.00008.
gnomAD v4.1: 110 of 1,573,166 alleles (0.007%); highest among the groups gnomAD compares: Non-Finnish European, 0.009%; no homozygotes.

Submissions (2):

Labcorp Genetics (formerly Invitae), Labcorp
Classification: Uncertain significance for Left ventricular noncompaction 8. Last evaluated: 2025-06-18. Review status: criteria provided, single submitter. Criteria: Invitae Variant Classification Sherloc (09022015). Collection method: clinical testing. Allele origin: germline.
Comment: This sequence change replaces alanine, which is neutral and non-polar, with threonine, which is neutral and polar, at codon 1146 of the PRDM16 protein (p.Ala1146Thr). The frequency data for this variant in the population databases is considered unreliable, as metrics indicate poor data quality at this position in the gnomAD database. This variant has not been reported in the literature in individuals affected with PRDM16-related conditions. ClinVar contains an entry for this variant (Variation ID: 852877). An algorithm developed to predict the effect of missense changes on protein structure and function outputs the following: PolyPhen-2: "Benign". The threonine amino acid residue is found in multiple mammalian species, which suggests that this missense change does not adversely affect protein function. In summary, the available evidence is currently insufficient to determine the role of this variant in disease. Therefore, it has been classified as a Variant of Uncertain Significance.

ARUP Laboratories, Molecular Genetics and Genomics, ARUP Laboratories
Classification: Uncertain significance. Last evaluated: 2024-03-08. Review status: criteria provided, single submitter. Criteria: ARUP Molecular Germline Variant Investigation Process 2024. Collection method: clinical testing. Allele origin: germline.
Comment: The PRDM16 c.3436G>A; p.Ala1146Thr variant (rs377255144) is reported in the literature in one individual from a large autism cohort (Zhou 2022). This variant reported in ClinVar (Variation ID: 852877) and is only observed on two alleles in the Genome Aggregation Database (v2.1.1), indicating it is not a common polymorphism. Computational analyses predict that this variant is neutral (REVEL: 0.018). Due to limited information, the clinical significance of this variant is uncertain at this time. References: Zhou X et al. Integrating de novo and inherited variants in 42,607 autism cases identifies mutations in new moderate-risk genes. Nat Genet. 2022 Sep;54(9):1305-1319. PMID: 35982159.